The following is an entry in ClinVar:

ClinVar aggregate classification (germline): Uncertain significance. Review status: criteria provided, multiple submitters, no conflicts (2 of 4 stars). 2 submissions from 2 submitters: Uncertain significance (2). Last evaluated 2024-01-02.

Allele frequency attached by ClinVar (database versions not stated): ExAC 0.00001; gnomAD exomes 0.00001; gnomAD 0.00002; TOPMed 0.00002; ESP Exome Variant Server 0.00008.

Submissions (2):

Labcorp Genetics (formerly Invitae), Labcorp
Classification: Uncertain significance. Last evaluated: 2024-01-02. Review status: criteria provided, single submitter. Criteria: Invitae Variant Classification Sherloc (09022015). Collection method: clinical testing. Allele origin: germline.
Comment: This sequence change replaces arginine, which is basic and polar, with cysteine, which is neutral and slightly polar, at codon 92 of the CWC27 protein (p.Arg92Cys). The frequency data for this variant in the population databases is considered unreliable, as metrics indicate poor data quality at this position in the gnomAD database. This variant has not been reported in the literature in individuals affected with CWC27-related conditions. ClinVar contains an entry for this variant (Variation ID: 936323). An algorithm developed to predict the effect of missense changes on protein structure and function (PolyPhen-2) suggests that this variant is likely to be disruptive. In summary, the available evidence is currently insufficient to determine the role of this variant in disease. Therefore, it has been classified as a Variant of Uncertain Significance.

Blueprint Genetics
Classification: Uncertain significance. Last evaluated: 2022-10-10. Review status: criteria provided, single submitter. Criteria: ACMG Guidelines, 2015. Collection method: clinical testing. Allele origin: germline.

NM_005869.4(CWC27):c.274C>T (p.Arg92Cys)

Gene: CWC27 (CWC27 spliceosome associated cyclophilin; plus strand). Cytogenetic location: 5q12.3.
Variant type: single nucleotide variant.
Coding change: c.274C>T on transcript NM_005869.4 (MANE Select); coding-DNA position 274, C replaced by T.
Protein change: p.Arg92Cys; replaces arginine 92 with cysteine.
Molecular consequence: missense variant.
Genome position (GRCh38, 1-based): chr5:64,783,857, C>T. VCF-style: chr5-64783857-C-T. GRCh37 (hg19) VCF-style: chr5-64079684-C-T.
Other names: c.274C>T, p.Arg92Cys (NM_001297644.1, NM_001297645.2, NM_001318000.2 and 1 more transcripts); short protein forms R92C.
Identifiers: ClinVar variation 936323 (VCV000936323.8), dbSNP rs377331761, ClinGen allele CA3281909.